The following is an entry in ClinVar:

ClinVar aggregate classification (germline): Uncertain significance (1 of 4 stars; one submission).

Conditions:
Pulmonary fibrosis and/or bone marrow failure, Telomere-related, 3. Also called: PULMONARY FIBROSIS AND/OR BONE MARROW FAILURE SYNDROME, TELOMERE-RELATED, 3. Identifiers: Orphanet 2032, MedGen C4225346, MONDO:0014613, OMIM 616373.
Dyskeratosis congenita, autosomal recessive 5 (DKCB5). Identifiers: MedGen C3554656, MONDO:0014076, OMIM 615190.

gnomAD v4.1: 5 of 1,613,116 alleles (0.00031%); highest among the groups gnomAD compares: South Asian, 0.0033%; no homozygotes.

Submission:

Labcorp Genetics (formerly Invitae), Labcorp
Classification: Uncertain significance for Dyskeratosis congenita, autosomal recessive 5; Pulmonary fibrosis and/or bone marrow failure, Telomere-related, 3. Last evaluated: 2025-03-05. Review status: criteria provided, single submitter. Criteria: Invitae Variant Classification Sherloc (09022015). Collection method: clinical testing. Allele origin: germline.
Comment: This sequence change replaces lysine, which is basic and polar, with arginine, which is basic and polar, at codon 233 of the RTEL1 protein (p.Lys233Arg). This variant is not present in population databases (gnomAD no frequency). This variant has not been reported in the literature in individuals affected with RTEL1-related conditions. An algorithm developed to predict the effect of missense changes on protein structure and function (PolyPhen-2) suggests that this variant is likely to be disruptive. Algorithms developed to predict the effect of sequence changes on RNA splicing suggest that this variant may disrupt the consensus splice site. In summary, the available evidence is currently insufficient to determine the role of this variant in disease. Therefore, it has been classified as a Variant of Uncertain Significance.

NM_001283009.2(RTEL1):c.698A>G (p.Lys233Arg)

Genes: RTEL1 (regulator of telomere elongation helicase 1; plus strand), RTEL1-TNFRSF6B (RTEL1-TNFRSF6B readthrough (NMD candidate); plus strand). Cytogenetic location: 20q13.33.
Variant type: single nucleotide variant.
Coding change: c.698A>G on transcript NM_001283009.2 (MANE Select); coding-DNA position 698, A replaced by G.
Protein change: p.Lys233Arg; replaces lysine 233 with arginine.
Molecular consequence: missense variant. On other transcripts: non-coding transcript variant (1).
Genome position (GRCh38, 1-based): chr20:63,667,552, A>G. VCF-style: chr20-63667552-A-G. GRCh37 (hg19) VCF-style: chr20-62298905-A-G.
Other names: c.29A>G, p.Lys10Arg (NM_001283010.1); c.698A>G, p.Lys233Arg (NM_016434.4); c.770A>G, p.Lys257Arg (NM_032957.5); short protein forms K10R, K233R, K257R.
Identifiers: ClinVar variation 3759707 (VCV003759707.2).